The following is an entry in ClinVar:

ClinVar aggregate classification (germline): Pathogenic (1 of 4 stars; one submission).

Conditions:
Diastrophic dysplasia (DTD). Also called: Diastrophic dwarfism. Identifiers: Orphanet 628, MedGen C0220726, MONDO:0009107, OMIM 222600.
Atelosteogenesis type II (AO2). Also called: NEONATAL OSSEOUS DYSPLASIA I; Neonatal osseous dysplasia 1; SLC26A2-Related Atelosteogenesis. Identifiers: Orphanet 56304, MedGen C1850554, MONDO:0009727, OMIM 256050.
Multiple epiphyseal dysplasia type 4 (EDM4). Also called: Multiple Epiphyseal Dysplasia, Recessive; MULTIPLE EPIPHYSEAL DYSPLASIA WITH BILAYERED PATELLAE; MULTIPLE EPIPHYSEAL DYSPLASIA WITH CLUBFOOT; MULTIPLE EPIPHYSEAL DYSPLASIA, AUTOSOMAL RECESSIVE; SLC26A2-Related Multiple Epiphyseal Dysplasia. Identifiers: Orphanet 93307, MedGen C1847593, MONDO:0009189, OMIM 226900.
Achondrogenesis, type IB (ACG1B). Also called: Achondrogenesis Type 1B. Identifiers: Orphanet 932, Orphanet 93298, MedGen C0265274, MONDO:0010966, OMIM 600972.

Submission:

Labcorp Genetics (formerly Invitae), Labcorp
Classification: Pathogenic for Atelosteogenesis type II; Multiple epiphyseal dysplasia type 4; Achondrogenesis, type IB; Diastrophic dysplasia. Last evaluated: 2021-03-23. Review status: criteria provided, single submitter. Criteria: Invitae Variant Classification Sherloc (09022015). Collection method: clinical testing. Allele origin: germline.
Comment: For these reasons, this variant has been classified as Pathogenic. This variant has not been reported in the literature in individuals with SLC26A2-related conditions. This variant is not present in population databases (ExAC no frequency). This sequence change creates a premature translational stop signal (p.Glu30Glyfs*63) in the SLC26A2 gene. It is expected to result in an absent or disrupted protein product. Loss-of-function variants in SLC26A2 are known to be pathogenic (PMID: 7923357, 10482955, 11241838).

Literature cited by the submitters: PubMed 7923357; PubMed 10482955; PubMed 11241838.

NM_000112.4(SLC26A2):c.78_88dup (p.Glu30fs)

Gene: SLC26A2 (solute carrier family 26 member 2; plus strand). Cytogenetic location: 5q32.
Variant type: Duplication.
Coding change: c.78_88dup on transcript NM_000112.4 (MANE Select); coding-DNA positions 78 to 88, 11 bases duplicated (GATCCATCTGG).
Protein change: p.Glu30fs; shifts the reading frame from glutamic acid 30.
Molecular consequence: frameshift variant.
Genome position (GRCh38, 1-based): chr5:149,977,730-149,977,740, GATCCATCTGG duplicated; duplicating any 11 consecutive bases within chr5:149,977,720-149,977,740 gives the same sequence; the c. name uses the placement nearest the transcript's 3' end. VCF-style (leftmost placement, unchanged base first): chr5-149977719-T-TATCCATCTGGG. GRCh37 (hg19) VCF-style: chr5-149357282-T-TATCCATCTGGG.
Other names: short protein forms E30fs.
Identifiers: ClinVar variation 1454165 (VCV001454165.6), dbSNP rs2113695509, ClinGen allele CA2573139271.